The following is an entry in ClinVar:

NM_013247.5(HTRA2):c.507-9C>T

Genes: HTRA2 (HtrA serine peptidase 2; plus strand), LOC129934140 (ATAC-STARR-seq lymphoblastoid active region 16072; plus strand). Cytogenetic location: 2p13.1.
Variant type: single nucleotide variant.
Coding change: c.507-9C>T on transcript NM_013247.5 (MANE Select); 9 bases into the intron before coding-DNA position 507, C replaced by T.
Molecular consequence: intron variant.
Genome position (GRCh38, 1-based): chr2:74,530,608, C>T. VCF-style: chr2-74530608-C-T. GRCh37 (hg19) VCF-style: chr2-74757735-C-T.
Other names: p.?; c.507-9C>T (NM_001321727.1, NM_001321728.1, NM_145074.2).
Identifiers: ClinVar variation 733681 (VCV000733681.14), dbSNP rs151291127, ClinGen allele CA1728381.

ClinVar aggregate classification (germline): Benign/Likely benign. Review status: criteria provided, multiple submitters, no conflicts (2 of 4 stars). 3 submissions from 3 submitters: Benign (2); Likely benign (1). Last evaluated 2026-01-18.

Allele frequency attached by ClinVar (database versions not stated): TOPMed 0.00206; gnomAD 0.00207; ESP Exome Variant Server 0.00215; 1000 Genomes Project 0.00280; 1000 Genomes Project 30x 0.00328.
gnomAD v4.1: 549 of 1,614,038 alleles (0.034%); highest among the groups gnomAD compares: African/African-American, 0.66%; 1 homozygote.

Submissions (3):

Labcorp Genetics (formerly Invitae), Labcorp
Classification: Benign. Last evaluated: 2026-01-18. Review status: criteria provided, single submitter. Criteria: Invitae Variant Classification Sherloc (09022015). Collection method: clinical testing. Allele origin: germline.

Mayo Clinic Laboratories, Mayo Clinic
Classification: Benign. Last evaluated: 2025-03-03. Review status: criteria provided, single submitter. Criteria: ACMG Guidelines, 2015. Collection method: clinical testing. Allele origin: germline. Observed: 2 variant alleles.
Comment: BA1, BP4, BP7

GeneDx
Classification: Likely benign. Last evaluated: 2021-01-02. Review status: criteria provided, single submitter. Criteria: GeneDx Variant Classification Process June 2021. Collection method: clinical testing. Allele origin: germline. Affected: yes.